The following is an entry in ClinVar:

ClinVar aggregate classification (germline): Uncertain significance. Review status: criteria provided, multiple submitters, no conflicts (2 of 4 stars). 4 submissions from 4 submitters: Uncertain significance (4). Last evaluated 2025-11-21.

Conditions:
Atrial fibrillation, familial, 18 (ATFB18). Identifiers: MedGen C4310636, MONDO:0015001, OMIM 617280.
MYL4-related disorder. Also called: MYL4-related condition.

Allele frequency attached by ClinVar (database versions not stated): TOPMed 0.00003; gnomAD 0.00003; ExAC 0.00002.
gnomAD v4.1: 33 of 1,613,368 alleles (0.002%); highest among the groups gnomAD compares: African/African-American, 0.0053%; no homozygotes.

Submissions (4):

Labcorp Genetics (formerly Invitae), Labcorp
Classification: Uncertain significance for Atrial fibrillation, familial, 18. Last evaluated: 2025-11-21. Review status: criteria provided, single submitter. Criteria: Invitae Variant Classification Sherloc (09022015). Collection method: clinical testing. Allele origin: germline.
Comment: This sequence change replaces valine, which is neutral and non-polar, with isoleucine, which is neutral and non-polar, at codon 158 of the MYL4 protein (p.Val158Ile). This variant is present in population databases (rs745655031, gnomAD 0.004%). This variant has not been reported in the literature in individuals affected with MYL4-related conditions. ClinVar contains an entry for this variant (Variation ID: 1934923). An algorithm developed to predict the effect of missense changes on protein structure and function (PolyPhen-2) suggests that this variant is likely to be disruptive. In summary, the available evidence is currently insufficient to determine the role of this variant in disease. Therefore, it has been classified as a Variant of Uncertain Significance.

Dasa
Classification: Uncertain significance. Last evaluated: 2024-10-02. Review status: criteria provided, single submitter. Criteria: DASA Assertion Criteria. Collection method: clinical testing. Allele origin: germline.
Comment: NM_002476.2(MYL4):c.472G>A (p.Val158Ile) is a missense variant that results in the substitution of valine with isoleucine. This variant is rare in population databases. Computational prediction algorithms are consistent with a benign effect. The currently available literature and clinical evidence are not sufficient to establish a definitive association between this variant and the reported condition. Therefore, this variant is classified as a variant of uncertain significance.

Ambry Genetics
Classification: Uncertain significance. Last evaluated: 2024-04-09. Review status: criteria provided, single submitter. Criteria: Ambry Variant Classification Scheme 2023. Collection method: clinical testing. Allele origin: germline.

PreventionGenetics, part of Exact Sciences
Classification: Uncertain significance for MYL4-related condition. Last evaluated: 2022-10-28. Review status: criteria provided, single submitter. Criteria: ACMG Guidelines, 2015. Collection method: clinical testing. Allele origin: germline.
Comment: The MYL4 c.472G>A variant is predicted to result in the amino acid substitution p.Val158Ile. To our knowledge, this variant has not been reported in the literature. This variant is reported in 0.0040% of alleles in individuals of African descent in gnomAD. At this time, the clinical significance of this variant is uncertain due to the absence of conclusive functional and genetic evidence.

NM_002476.2(MYL4):c.472G>A (p.Val158Ile)

Gene: MYL4 (myosin light chain 4; plus strand). Cytogenetic location: 17q21.32.
Variant type: single nucleotide variant.
Coding change: c.472G>A on transcript NM_002476.2 (MANE Select); coding-DNA position 472, G replaced by A.
Protein change: p.Val158Ile; replaces valine 158 with isoleucine.
Molecular consequence: missense variant.
Genome position (GRCh38, 1-based): chr17:47,221,840, G>A. VCF-style: chr17-47221840-G-A. GRCh37 (hg19) VCF-style: chr17-45299206-G-A.
Other names: c.472G>A, p.Val158Ile (NM_001002841.2); c.472G>A (NM_001002841.1); short protein forms V158I.
Identifiers: ClinVar variation 1934923 (VCV001934923.9), dbSNP rs745655031, ClinGen allele CA8622749.